The following is an entry in ClinVar:

NM_002474.3(MYH11):c.1346G>A (p.Arg449Gln)

Gene: MYH11 (myosin heavy chain 11; minus strand). Cytogenetic location: 16p13.11.
Variant type: single nucleotide variant.
Coding change: c.1346G>A on transcript NM_002474.3 (MANE Select); coding-DNA position 1346, G replaced by A.
Protein change: p.Arg449Gln; replaces arginine 449 with glutamine.
Molecular consequence: missense variant.
Genome position (GRCh38, 1-based): chr16:15,759,631, C>T on the plus strand (G>A on the coding strand, the complement: MYH11 is on the minus strand). VCF-style: chr16-15759631-C-T. GRCh37 (hg19) VCF-style: chr16-15853488-C-T.
Other names: c.1367G>A, p.Arg456Gln (NM_001040113.2, NM_001040114.2); c.1346G>A, p.Arg449Gln (NM_022844.3); c.1346G>A (NM_002474.2); short protein forms R456Q, R449Q.
Identifiers: ClinVar variation 926238 (VCV000926238.7), dbSNP rs775520228, ClinGen allele CA7922635.

ClinVar aggregate classification (germline): Uncertain significance. Review status: criteria provided, multiple submitters, no conflicts (2 of 4 stars). 4 submissions from 4 submitters: Uncertain significance (4). Last evaluated 2024-03-06.

Conditions:
Aortic aneurysm, familial thoracic 4 (AAT4). Also called: AORTIC ANEURYSM/AORTIC DISSECTION AND PATENT DUCTUS ARTERIOSUS. Identifiers: MedGen C1851504, MONDO:0007568, OMIM 132900.
Familial thoracic aortic aneurysm and aortic dissection (TAAD). Also called: Thoracic aortic aneurysms and dissections. Identifiers: Orphanet 91387, MedGen C4707243, MONDO:0019625.

Allele frequency attached by ClinVar (database versions not stated): TOPMed below 0.00001; ExAC 0.00001; gnomAD exomes 0.00002.
gnomAD v4.1: 31 of 1,614,050 alleles (0.0019%); highest among the groups gnomAD compares: Non-Finnish European, 0.0024%; no homozygotes.

Submissions (4):

Color Diagnostics, LLC DBA Color Health
Classification: Uncertain significance for Familial thoracic aortic aneurysm and aortic dissection. Last evaluated: 2024-03-06. Review status: criteria provided, single submitter. Criteria: ACMG Guidelines, 2015. Collection method: clinical testing. Allele origin: germline.
Comment: This missense variant replaces arginine with glutamine at codon 456 of the MYH11 protein. Computational prediction tool indicates that this variant may have a uncertain impact on protein structure and function. To our knowledge, functional studies have not been reported for this variant. This variant has not been reported in individuals affected with cardiovascular disorders in the literature. This variant has been identified in 2/282882 chromosomes in the general population by the Genome Aggregation Database (gnomAD). The available evidence is insufficient to determine the role of this variant in disease conclusively. Therefore, this variant is classified as a Variant of Uncertain Significance.

All of Us Research Program, National Institutes of Health
Classification: Uncertain significance for Familial thoracic aortic aneurysm and aortic dissection. Last evaluated: 2023-12-18. Review status: criteria provided, single submitter. Criteria: ACMG Guidelines, 2015. Collection method: clinical testing. Allele origin: germline. Inheritance: Autosomal dominant inheritance. Observed: 3 variant alleles, 3 heterozygotes.
Comment: This missense variant replaces arginine with glutamine at codon 456 of the MYH11 protein. Computational prediction is inconclusive regarding the impact of this variant on protein structure and function (internally defined REVEL score threshold 0.5 < inconclusive < 0.7, PMID: 27666373). To our knowledge, functional studies have not been reported for this variant. This variant has not been reported in individuals affected with cardiovascular disorders in the literature. This variant has been identified in 2/282882 chromosomes in the general population by the Genome Aggregation Database (gnomAD). The available evidence is insufficient to determine the role of this variant in disease conclusively. Therefore, this variant is classified as a Variant of Uncertain Significance.

This study involves interpretation of variants in research participants for the purpose of population health screening. Participant phenotype was not available at the time of variant classification. Additional details can be found in publication PMID: 35346344, PMCID: PMC8962531

Labcorp Genetics (formerly Invitae), Labcorp
Classification: Uncertain significance for Aortic aneurysm, familial thoracic 4. Last evaluated: 2023-09-08. Review status: criteria provided, single submitter. Criteria: Invitae Variant Classification Sherloc (09022015). Collection method: clinical testing. Allele origin: germline.
Comment: In summary, the available evidence is currently insufficient to determine the role of this variant in disease. Therefore, it has been classified as a Variant of Uncertain Significance. Advanced modeling of protein sequence and biophysical properties (such as structural, functional, and spatial information, amino acid conservation, physicochemical variation, residue mobility, and thermodynamic stability) performed at Invitae indicates that this missense variant is not expected to disrupt MYH11 protein function. ClinVar contains an entry for this variant (Variation ID: 926238). This variant has not been reported in the literature in individuals affected with MYH11-related conditions. This variant is present in population databases (rs775520228, gnomAD 0.01%). This sequence change replaces arginine, which is basic and polar, with glutamine, which is neutral and polar, at codon 456 of the MYH11 protein (p.Arg456Gln).

Ambry Genetics
Classification: Uncertain significance for Familial thoracic aortic aneurysm and aortic dissection. Last evaluated: 2023-02-08. Review status: criteria provided, single submitter. Criteria: Ambry Variant Classification Scheme 2023. Collection method: clinical testing. Allele origin: germline.
Comment: The p.R449Q variant (also known as c.1346G>A), located in coding exon 11 of the MYH11 gene, results from a G to A substitution at nucleotide position 1346. The arginine at codon 449 is replaced by glutamine, an amino acid with highly similar properties. This amino acid position is conserved. In addition, the in silico prediction for this alteration is inconclusive. Since supporting evidence is limited at this time, the clinical significance of this alteration remains unclear.